The following is an entry in ClinVar:

ClinVar aggregate classification (germline): Uncertain significance (1 of 4 stars; one submission).

Submission:

Women's Health and Genetics/Laboratory Corporation of America, LabCorp
Classification: Uncertain significance. Last evaluated: 2026-01-16. Review status: criteria provided, single submitter. Criteria: LabCorp Variant Classification Summary - May 2015. Collection method: clinical testing. Allele origin: germline.
Comment: Variant summary: The variant involves the deletion of exons 3-17 in the VPS53 gene. A presumed nomenclature of c.(168+1_169-1)_(1866+1_1867-1)del has been designated for the purposes of this classification. This Copy Number Variant (CNV) is predicted to result in an in-frame deletion within this gene. Current evidence is not sufficient to establish loss of function as a mechanism for disease. The variant was absent in 21694 control chromosomes. The available data on variant occurrences in the general population are insufficient to allow any conclusion about variant significance. To our knowledge, no occurrence of c.(168+1_169-1)_(1866+1_1867-1)del in individuals affected with VPS53-related conditions and no experimental evidence demonstrating its impact on protein function have been reported. No submitters have cited clinical-significance assessments for this variant to ClinVar. Based on the evidence outlined above, the variant was classified as uncertain significance.

NC_000017.10:g.(440417_455111)_(602621_613772)del

Gene: VPS53 (VPS53 subunit of GARP complex; minus strand). Cytogenetic location: 17p13.3.
Variant type: Deletion.
Identifiers: ClinVar variation 4689344 (VCV004689344.1).